The following is an entry in ClinVar:

NM_172364.5(CACNA2D4):c.635A>G (p.Asn212Ser)

Gene: CACNA2D4 (calcium voltage-gated channel auxiliary subunit alpha2delta 4; minus strand). Cytogenetic location: 12p13.33.
Variant type: single nucleotide variant.
Coding change: c.635A>G on transcript NM_172364.5 (MANE Select); coding-DNA position 635, A replaced by G.
Protein change: p.Asn212Ser; replaces asparagine 212 with serine.
Molecular consequence: missense variant.
Genome position (GRCh38, 1-based): chr12:1,907,889, T>C on the plus strand (A>G on the coding strand, the complement: CACNA2D4 is on the minus strand). VCF-style: chr12-1907889-T-C. GRCh37 (hg19) VCF-style: chr12-2017055-T-C.
Other names: short protein forms N212S.
Identifiers: ClinVar variation 1364125 (VCV001364125.6), dbSNP rs1565740298, ClinGen allele CA383364130.

ClinVar aggregate classification (germline): Uncertain significance (1 of 4 stars; one submission).

Allele frequency attached by ClinVar (database versions not stated): gnomAD exomes below 0.00001.

Submission:

Labcorp Genetics (formerly Invitae), Labcorp
Classification: Uncertain significance. Last evaluated: 2022-08-23. Review status: criteria provided, single submitter. Criteria: Invitae Variant Classification Sherloc (09022015). Collection method: clinical testing. Allele origin: germline.
Comment: In summary, the available evidence is currently insufficient to determine the role of this variant in disease. Therefore, it has been classified as a Variant of Uncertain Significance. Algorithms developed to predict the effect of missense changes on protein structure and function (SIFT, PolyPhen-2, Align-GVGD) all suggest that this variant is likely to be disruptive. ClinVar contains an entry for this variant (Variation ID: 1364125). This variant has not been reported in the literature in individuals affected with CACNA2D4-related conditions. This sequence change replaces asparagine, which is neutral and polar, with serine, which is neutral and polar, at codon 212 of the CACNA2D4 protein (p.Asn212Ser). This variant is present in population databases (no rsID available, gnomAD 0.003%).